The following is an entry in ClinVar:

ClinVar aggregate classification (germline): Uncertain significance (1 of 4 stars; one submission).

Submission:

Labcorp Genetics (formerly Invitae), Labcorp
Classification: Uncertain significance. Last evaluated: 2022-03-14. Review status: criteria provided, single submitter. Criteria: Invitae Variant Classification Sherloc (09022015). Collection method: clinical testing. Allele origin: germline.
Comment: This variant has not been reported in the literature in individuals affected with PPM1D-related conditions. This sequence change replaces arginine, which is basic and polar, with proline, which is neutral and non-polar, at codon 90 of the PPM1D protein (p.Arg90Pro). This variant is not present in population databases (gnomAD no frequency). Algorithms developed to predict the effect of missense changes on protein structure and function (SIFT, PolyPhen-2, Align-GVGD) all suggest that this variant is likely to be tolerated. In summary, the available evidence is currently insufficient to determine the role of this variant in disease. Therefore, it has been classified as a Variant of Uncertain Significance.

NM_003620.4(PPM1D):c.269G>C (p.Arg90Pro)

Gene: PPM1D (protein phosphatase, Mg2+/Mn2+ dependent 1D; plus strand). Cytogenetic location: 17q23.2.
Variant type: single nucleotide variant.
Coding change: c.269G>C on transcript NM_003620.4 (MANE Select); coding-DNA position 269, G replaced by C.
Protein change: p.Arg90Pro; replaces arginine 90 with proline.
Molecular consequence: missense variant.
Genome position (GRCh38, 1-based): chr17:60,600,683, G>C. VCF-style: chr17-60600683-G-C. GRCh37 (hg19) VCF-style: chr17-58678044-G-C.
Other names: short protein forms R90P.
Identifiers: ClinVar variation 2112245 (VCV002112245.4), dbSNP rs2030189203, ClinGen allele CA400454352.